The following is an entry in ClinVar:

NM_001110556.2(FLNA):c.4432G>C (p.Ala1478Pro)

Gene: FLNA (filamin A; minus strand). Cytogenetic location: Xq28.
Variant type: single nucleotide variant.
Coding change: c.4432G>C on transcript NM_001110556.2 (MANE Select); coding-DNA position 4432, G replaced by C.
Protein change: p.Ala1478Pro; replaces alanine 1478 with proline.
Molecular consequence: missense variant.
Genome position (GRCh38, 1-based): chrX:154,359,026, C>G on the plus strand (G>C on the coding strand, the complement: FLNA is on the minus strand). VCF-style: chrX-154359026-C-G. GRCh37 (hg19) VCF-style: chrX-153587394-C-G.
Other names: c.4432G>C, p.Ala1478Pro (NM_001456.4); short protein forms A1478P.
Identifiers: ClinVar variation 3750551 (VCV003750551.2).

ClinVar aggregate classification (germline): Uncertain significance (1 of 4 stars; one submission).

Conditions:
Melnick-Needles syndrome (MNS). Also called: MELNICK-NEEDLES OSTEODYSPLASTY; OSTEODYSPLASTY OF MELNICK AND NEEDLES; Melnick-Needles Syndrome (FLNA-MNS). Identifiers: Orphanet 2484, MedGen C0025237, MONDO:0010650, OMIM 309350.
Frontometaphyseal dysplasia (FMD1). Identifiers: Orphanet 1826, MedGen C0265293, MONDO:0015942.
Heterotopia, periventricular, X-linked dominant (PVNH1). Also called: PERIVENTRICULAR NODULAR HETEROTOPIA 1; X-linked periventricular heterotopia; PERIVENTRICULAR NODULAR HETEROTOPIA 4; HETEROTOPIA, PERIVENTRICULAR, 1. Identifiers: Orphanet 2149, Orphanet 82004, MedGen C1848213, MONDO:0010233, OMIM 300049.
Oto-palato-digital syndrome, type II (OPD2). Also called: FACIOPALATOOSSEOUS SYNDROME; OPD II SYNDROME; Otopalatodigital Syndrome, Type II; Otopalatodigital Syndrome Type 2 (FLNA-OPD2). Identifiers: Orphanet 669, Orphanet 90652, MedGen C1844696, MONDO:0010571, OMIM 304120.

Submission:

Labcorp Genetics (formerly Invitae), Labcorp
Classification: Uncertain significance for Oto-palato-digital syndrome, type II; Heterotopia, periventricular, X-linked dominant; Frontometaphyseal dysplasia; Melnick-Needles syndrome. Last evaluated: 2025-08-09. Review status: criteria provided, single submitter. Criteria: Invitae Variant Classification Sherloc (09022015). Collection method: clinical testing. Allele origin: germline.
Comment: This sequence change replaces alanine, which is neutral and non-polar, with proline, which is neutral and non-polar, at codon 1478 of the FLNA protein (p.Ala1478Pro). This variant is not present in population databases (gnomAD no frequency). This variant has not been reported in the literature in individuals affected with FLNA-related conditions. ClinVar contains an entry for this variant (Variation ID: 3750551). Invitae Evidence Modeling of protein sequence and biophysical properties (such as structural, functional, and spatial information, amino acid conservation, physicochemical variation, residue mobility, and thermodynamic stability) indicates that this missense variant is not expected to disrupt FLNA protein function with a negative predictive value of 95%. In summary, the available evidence is currently insufficient to determine the role of this variant in disease. Therefore, it has been classified as a Variant of Uncertain Significance.